The following is an entry in ClinVar:

ClinVar aggregate classification (germline): Uncertain significance (1 of 4 stars; one submission).

Conditions:
Inborn genetic diseases. Identifiers: MedGen C0950123, MeSH D030342.

Submission:

Ambry Genetics
Classification: Uncertain significance for Inborn genetic diseases. Last evaluated: 2024-05-12. Review status: criteria provided, single submitter. Criteria: Ambry Variant Classification Scheme 2023. Collection method: clinical testing. Allele origin: germline.
Comment: The p.D705V variant (also known as c.2114A>T), located in coding exon 18 of the LRRK2 gene, results from an A to T substitution at nucleotide position 2114. The aspartic acid at codon 705 is replaced by valine, an amino acid with highly dissimilar properties. This amino acid position is conserved. In addition, the in silico prediction for this alteration is inconclusive. Based on the available evidence, the clinical significance of this variant remains unclear.

NM_198578.4(LRRK2):c.2114A>T (p.Asp705Val)

Gene: LRRK2 (leucine rich repeat kinase 2; plus strand). Cytogenetic location: 12q12.
Variant type: single nucleotide variant.
Coding change: c.2114A>T on transcript NM_198578.4 (MANE Select); coding-DNA position 2114, A replaced by T.
Protein change: p.Asp705Val; replaces aspartic acid 705 with valine.
Molecular consequence: missense variant.
Genome position (GRCh38, 1-based): chr12:40,278,134, A>T. VCF-style: chr12-40278134-A-T. GRCh37 (hg19) VCF-style: chr12-40671936-A-T.
Other names: short protein forms D705V.
Identifiers: ClinVar variation 3292012 (VCV003292012.1).